The following is an entry in ClinVar:

NM_013275.6(ANKRD11):c.1768A>G (p.Lys590Glu)

Gene: ANKRD11 (ankyrin repeat domain 11; minus strand). Cytogenetic location: 16q24.3.
Variant type: single nucleotide variant.
Coding change: c.1768A>G on transcript NM_013275.6 (MANE Select); coding-DNA position 1768, A replaced by G.
Protein change: p.Lys590Glu; replaces lysine 590 with glutamic acid.
Molecular consequence: missense variant.
Genome position (GRCh38, 1-based): chr16:89,284,774, T>C on the plus strand (A>G on the coding strand, the complement: ANKRD11 is on the minus strand). VCF-style: chr16-89284774-T-C. GRCh37 (hg19) VCF-style: chr16-89351182-T-C.
Other names: c.1768A>G, p.Lys590Glu (NM_001256182.2, NM_001256183.2); short protein forms K590E.
Identifiers: ClinVar variation 2995792 (VCV002995792.3), dbSNP rs776967307, ClinGen allele CA8242698.

ClinVar aggregate classification (germline): Uncertain significance (1 of 4 stars; one submission).

Conditions:
KBG syndrome (KBGS). Also called: ANKRD11-Related KBG Syndrome. Identifiers: Orphanet 2332, MedGen C0220687, MONDO:0007846, OMIM 148050.

Allele frequency attached by ClinVar (database versions not stated): gnomAD exomes below 0.00001; TOPMed below 0.00001; ExAC 0.00001.
gnomAD v4.1: 1 of 1,613,666 alleles (0.000062%); highest among the groups gnomAD compares: Admixed American, 0.0017%; no homozygotes.

Submission:

Labcorp Genetics (formerly Invitae), Labcorp
Classification: Uncertain significance for KBG syndrome. Last evaluated: 2023-03-30. Review status: criteria provided, single submitter. Criteria: Invitae Variant Classification Sherloc (09022015). Collection method: clinical testing. Allele origin: germline.
Comment: Advanced modeling of protein sequence and biophysical properties (such as structural, functional, and spatial information, amino acid conservation, physicochemical variation, residue mobility, and thermodynamic stability) has been performed at Invitae for this missense variant, however the output from this modeling did not meet the statistical confidence thresholds required to predict the impact of this variant on ANKRD11 protein function. This variant has not been reported in the literature in individuals affected with ANKRD11-related conditions. This variant is present in population databases (rs776967307, gnomAD 0.003%). In summary, the available evidence is currently insufficient to determine the role of this variant in disease. Therefore, it has been classified as a Variant of Uncertain Significance. This sequence change replaces lysine, which is basic and polar, with glutamic acid, which is acidic and polar, at codon 590 of the ANKRD11 protein (p.Lys590Glu).